The following is an entry in ClinVar:

ClinVar aggregate classification (germline): Likely pathogenic (1 of 4 stars; one submission).

Submission:

Labcorp Genetics (formerly Invitae), Labcorp
Classification: Likely pathogenic. Last evaluated: 2022-08-19. Review status: criteria provided, single submitter. Criteria: Invitae Variant Classification Sherloc (09022015). Collection method: clinical testing. Allele origin: germline.
Comment: This variant results in the deletion of part of exon 50 (c.3810_3816+2del) of the COL11A1 gene. It is expected to disrupt RNA splicing. Variants that disrupt the donor or acceptor splice site typically lead to a loss of protein function (PMID: 16199547), and loss-of-function variants in COL11A1 are known to be pathogenic (PMID: 20513134, 21035103, 23922384, 25240749, 32427345, 32756486). This variant is not present in population databases (gnomAD no frequency). This variant has been observed in individual(s) with features of Stickler syndrome (Invitae). Algorithms developed to predict the effect of sequence changes on RNA splicing suggest that this variant may disrupt the consensus splice site. In summary, the currently available evidence indicates that the variant is pathogenic, but additional data are needed to prove that conclusively. Therefore, this variant has been classified as Likely Pathogenic.

Literature cited by the submitters: PubMed 16199547; PubMed 20513134; PubMed 21035103; PubMed 23922384; PubMed 25240749; PubMed 32427345; PubMed 32756486.

NM_001854.4(COL11A1):c.3810_3816+2del

Gene: COL11A1 (collagen type XI alpha 1 chain; minus strand). Cytogenetic location: 1p21.1.
Variant type: Deletion.
Coding change: c.3810_3816+2del on transcript NM_001854.4 (MANE Select); coding-DNA position 3810 through the canonical splice donor site of the intron after coding-DNA position 3816, 9 bases deleted (TGTAGGCGT; older notation c.3810_3816+2delTGTAGGCGT).
Molecular consequence: splice donor variant.
Genome position (GRCh38, 1-based): chr1:102,915,629-102,915,637, ACGCCTACA deleted on the plus strand (TGTAGGCGT on the coding strand, the reverse complement: COL11A1 is on the minus strand). VCF-style (leftmost placement, unchanged base first): chr1-102915628-TACGCCTACA-T. GRCh37 (hg19) VCF-style: chr1-103381184-TACGCCTACA-T.
Other names: c.3693_3699+2del (NM_001190709.2); c.3846_3852+2del (NM_080629.3); c.3462_3468+2del (NM_080630.4).
Identifiers: ClinVar variation 2024800 (VCV002024800.4), dbSNP rs2524496392, ClinGen allele CA2580060702.